The following is an entry in ClinVar:

ClinVar aggregate classification (germline): Conflicting classifications of pathogenicity. Review status: criteria provided, conflicting classifications (1 of 4 stars). 11 submissions from 11 submitters: Pathogenic (1); Likely pathogenic (8); Uncertain significance (2). Last evaluated 2025-11-08.

Conditions:
Progressive sclerosing poliodystrophy (MTDPS4A). Also called: Alpers-Huttenlocher Syndrome (AHS); NEURONAL DEGENERATION OF CHILDHOOD WITH LIVER DISEASE, PROGRESSIVE; ALPERS DIFFUSE DEGENERATION OF CEREBRAL GRAY MATTER WITH HEPATIC CIRRHOSIS; Alpers-Huttenlocher Syndrome; Mitochondrial DNA depletion syndrome 4A (Alpers type); Alpers Syndrome. Identifiers: Orphanet 726, MedGen C0205710, MONDO:0008758, OMIM 203700.
POLG-related disorder. Also called: POLG-related condition; POLG-Related Disorders; POLG-Related Spectrum Disorders. Identifiers: MedGen C4763519.
Mitochondrial DNA depletion syndrome 4b. Also called: Mitochondrial Neurogastrointestinal Encephalopathy Disease, POLG-Related; MNGIE, POLG-RELATED. Identifiers: Orphanet 298, MedGen C3150914, MONDO:0013350, OMIM 613662.
Progressive external ophthalmoplegia with mitochondrial DNA deletions, autosomal recessive 1 (PEOB1). Also called: Autosomal Recessive Progressive External Ophthalmoplegia (arPEO); Progressive external ophthalmoplegia, autosomal recessive 1. Identifiers: Orphanet 254886, MedGen C4225153, MONDO:0009783, OMIM 258450.
Sensory ataxic neuropathy, dysarthria, and ophthalmoparesis (SANDO). Also called: Epilepsy, progressive myoclonic, type 5; Sensory ataxic neuropathy-dysarthria-ophthalmoparesis syndrome; SENSORY ATAXIC NEUROPATHY WITH MITOCHONDRIAL DNA DELETIONS, AUTOSOMAL RECESSIVE; Ataxia Neuropathy Spectrum (ANS). Identifiers: Orphanet 70595, MedGen C1843851, MONDO:0011835, OMIM 607459.
Progressive external ophthalmoplegia with mitochondrial DNA deletions, autosomal dominant 1 (PEOA1). Also called: PROGRESSIVE EXTERNAL OPHTHALMOPLEGIA, AUTOSOMAL DOMINANT 1; Autosomal Dominant Progressive External Ophthalmoplegia (adPEO). Identifiers: MedGen C1834846, MONDO:0024528, OMIM 157640.

Allele frequency attached by ClinVar (database versions not stated): gnomAD 0.00001; gnomAD exomes 0.00001 and 0.00002; 1000 Genomes Project 0.00020; 1000 Genomes Project 30x 0.00031; TOPMed 0.00001; ExAC 0.00004.
gnomAD v4.1: 16 of 1,609,372 alleles (0.00099%); highest among the groups gnomAD compares: African/African-American, 0.0027%; no homozygotes.

Submissions (11):

Labcorp Genetics (formerly Invitae), Labcorp
Classification: Pathogenic for Progressive sclerosing poliodystrophy. Last evaluated: 2025-11-08. Review status: criteria provided, single submitter. Criteria: Invitae Variant Classification Sherloc (09022015). Collection method: clinical testing. Allele origin: germline.
Comment: This sequence change replaces arginine, which is basic and polar, with tryptophan, which is neutral and slightly polar, at codon 579 of the POLG protein (p.Arg579Trp). This variant is present in population databases (rs556925652, gnomAD 0.01%). This missense change has been observed in individuals with autosomal recessive POLG-related conditions (PMID: 12975295, 33486010). ClinVar contains an entry for this variant (Variation ID: 458695). Invitae Evidence Modeling of protein sequence and biophysical properties (such as structural, functional, and spatial information, amino acid conservation, physicochemical variation, residue mobility, and thermodynamic stability) indicates that this missense variant is expected to disrupt POLG protein function with a positive predictive value of 95%. For these reasons, this variant has been classified as Pathogenic.

First Genomix Gene Laboratory, Genetic Diagnostics Department
Classification: Likely pathogenic for Progressive sclerosing poliodystrophy; Mitochondrial DNA depletion syndrome 4b; Sensory ataxic neuropathy, dysarthria, and ophthalmoparesis; Progressive external ophthalmoplegia with mitochondrial DNA deletions, autosomal recessive 1. Last evaluated: 2025-06-16. Review status: criteria provided, single submitter. Criteria: ACMG Guidelines, 2015. Collection method: clinical testing. Allele origin: germline. Inheritance: Autosomal recessive inheritance. Affected: no. Observed: 1 variant allele.

PreventionGenetics, part of Exact Sciences
Classification: Likely pathogenic for POLG-related condition. Last evaluated: 2025-01-27. Review status: criteria provided, single submitter. Criteria: ACMG Guidelines, 2015. Collection method: clinical testing. Allele origin: germline.
Comment: The POLG c.1735C>T variant is predicted to result in the amino acid substitution p.Arg579Trp. This variant was reported together with second pathogenic POLG variant in at least five individuals with progressive external ophthalmoplegia, where in at least one case the variants were confirmed to be in compound heterozygous state (Filosto et al. 2003. PubMed ID: 12975295; Patients 40, 41, 55, 59 Table S1 Bychkov et al. 2021. PubMed ID: 33486010). This variant is reported in 0.0062% of alleles in individuals of African descent in gnomAD. This variant is interpreted as likely pathogenic.

Blueprint Genetics
Classification: Likely pathogenic for POLG-related disorders. Last evaluated: 2024-10-07. Review status: criteria provided, single submitter. Criteria: ACMG Guidelines, 2015. Collection method: clinical testing. Allele origin: germline. Affected: yes. Observed: 4 variant alleles.

Revvity Omics, Revvity
Classification: Likely pathogenic. Last evaluated: 2024-05-02. Review status: criteria provided, single submitter. Criteria: ACMG Guidelines, 2015. Collection method: clinical testing. Allele origin: germline.

Fulgent Genetics
Classification: Likely pathogenic for Progressive external ophthalmoplegia with mitochondrial DNA deletions, autosomal dominant 1; Progressive sclerosing poliodystrophy; Progressive external ophthalmoplegia with mitochondrial DNA deletions, autosomal recessive 1; Sensory ataxic neuropathy, dysarthria, and ophthalmoparesis; Mitochondrial DNA depletion syndrome 4b. Last evaluated: 2024-04-04. Review status: criteria provided, single submitter. Criteria: ACMG Guidelines, 2015. Collection method: clinical testing. Allele origin: germline.

Baylor Genetics
Classification: Likely pathogenic for Progressive sclerosing poliodystrophy. Last evaluated: 2024-02-28. Review status: criteria provided, single submitter. Criteria: ACMG Guidelines, 2015. Collection method: clinical testing. Allele origin: unknown.

CeGaT Center for Human Genetics Tuebingen
Classification: Uncertain significance. Last evaluated: 2023-03-01. Review status: criteria provided, single submitter. Criteria: CeGaT Center For Human Genetics Tuebingen Variant Classification Criteria Version 2. Collection method: clinical testing. Allele origin: germline. Affected: yes. Observed: 2 variant alleles.
Comment: POLG: PM2

GeneDx
Classification: Likely pathogenic. Last evaluated: 2023-02-23. Review status: criteria provided, single submitter. Criteria: GeneDx Variant Classification Process June 2021. Collection method: clinical testing. Allele origin: germline. Affected: yes.
Comment: Not observed at a significant frequency in large population cohorts (gnomAD); In silico analysis supports that this missense variant has a deleterious effect on protein structure/function; This variant is associated with the following publications: (PMID: 12975295, Alghtani_Article, 33486010)

Athena Diagnostics
Classification: Uncertain significance. Last evaluated: 2020-09-22. Review status: criteria provided, single submitter. Criteria: Athena Diagnostics criteria. Collection method: clinical testing. Allele origin: unknown.

Kariminejad - Najmabadi Pathology & Genetics Center
Classification: Likely pathogenic for Progressive sclerosing poliodystrophy. Review status: criteria provided, single submitter. Criteria: ACMG Guidelines, 2015. Collection method: clinical testing. Allele origin: germline. Affected: no.

Literature cited by the submitters: PubMed 12975295 (cited by Labcorp Genetics (formerly Invitae), Labcorp and Athena Diagnostics); PubMed 33486010 (cited by Labcorp Genetics (formerly Invitae), Labcorp).

NM_002693.3(POLG):c.1735C>T (p.Arg579Trp)

Gene: POLG (DNA polymerase gamma, catalytic subunit; minus strand). Cytogenetic location: 15q26.1.
Variant type: single nucleotide variant.
Coding change: c.1735C>T on transcript NM_002693.3 (MANE Select); coding-DNA position 1735, C replaced by T.
Protein change: p.Arg579Trp; replaces arginine 579 with tryptophan.
Molecular consequence: missense variant.
Genome position (GRCh38, 1-based): chr15:89,325,664, G>A on the plus strand (C>T on the coding strand, the complement: POLG is on the minus strand). VCF-style: chr15-89325664-G-A. GRCh37 (hg19) VCF-style: chr15-89868895-G-A.
Other names: c.1735C>T, p.Arg579Trp (NM_001126131.2); short protein forms R579W.
Identifiers: ClinVar variation 458695 (VCV000458695.42), dbSNP rs556925652, ClinGen allele CA7724698.